The following is an entry in ClinVar:

NM_001039958.2(MESP2):c.383C>T (p.Ala128Val)

Genes: MESP2 (mesoderm posterior bHLH transcription factor 2; plus strand), LOC130057891 (ATAC-STARR-seq lymphoblastoid silent region 6806; plus strand). Cytogenetic location: 15q26.1.
Variant type: single nucleotide variant.
Coding change: c.383C>T on transcript NM_001039958.2 (MANE Select); coding-DNA position 383, C replaced by T.
Protein change: p.Ala128Val; replaces alanine 128 with valine.
Molecular consequence: missense variant.
Genome position (GRCh38, 1-based): chr15:89,776,740, C>T. VCF-style: chr15-89776740-C-T. GRCh37 (hg19) VCF-style: chr15-90319971-C-T.
Other names: short protein forms A128V.
Identifiers: ClinVar variation 1425258 (VCV001425258.5), dbSNP rs769354990, ClinGen allele CA7730412.
Genomic context (GRCh38, chr15:89,776,740, plus strand): 5'-TGCCTCCCTCCTTGGCGCCGGCCGGCCAGAGCCTGACCAAGATCGAGACGCTGCGCCTGG[C>T]CATCCGCTACATCGGCCACCTATCGGCCGTGCTGGGTCTCAGCGAGGAGAGTCTGCAGTG-3'
Protein context (NP_001035047.1, residues 118-138): SLTKIETLRL[Ala128Val]IRYIGHLSAV

ClinVar aggregate classification (germline): Uncertain significance (1 of 4 stars; one submission).

Allele frequency attached by ClinVar (database versions not stated): ExAC 0.00002; TOPMed 0.00002; gnomAD 0.00008 and 0.00009.

Submission:

Labcorp Genetics (formerly Invitae), Labcorp
Classification: Uncertain significance. Last evaluated: 2022-02-03. Review status: criteria provided, single submitter. Criteria: Invitae Variant Classification Sherloc (09022015). Collection method: clinical testing. Allele origin: germline.
Comment: This sequence change replaces alanine, which is neutral and non-polar, with valine, which is neutral and non-polar, at codon 128 of the MESP2 protein (p.Ala128Val). The frequency data for this variant in the population databases is considered unreliable, as metrics indicate poor data quality at this position in the gnomAD database. This variant has not been reported in the literature in individuals affected with MESP2-related conditions. Algorithms developed to predict the effect of missense changes on protein structure and function (SIFT, PolyPhen-2, Align-GVGD) all suggest that this variant is likely to be disruptive. In summary, the available evidence is currently insufficient to determine the role of this variant in disease. Therefore, it has been classified as a Variant of Uncertain Significance.